The following is an entry in ClinVar:

ClinVar aggregate classification (germline): Uncertain significance. Review status: criteria provided, multiple submitters, no conflicts (2 of 4 stars). 2 submissions from 2 submitters: Uncertain significance (2). Last evaluated 2025-04-11.

Conditions:
Primary ciliary dyskinesia. Also called: Ciliary dyskinesia. Identifiers: Orphanet 244, MedGen C0008780, MONDO:0016575, HP:0012265.

Allele frequency attached by ClinVar (database versions not stated): ExAC 0.00003; gnomAD exomes 0.00003 and 0.00009; gnomAD 0.00005 and 0.00006; TOPMed 0.00005; ESP Exome Variant Server 0.00008.
gnomAD v4.1: 133 of 1,613,916 alleles (0.0082%); highest among the groups gnomAD compares: Non-Finnish European, 0.011%; no homozygotes.

Submissions (2):

Ambry Genetics
Classification: Uncertain significance for Primary ciliary dyskinesia. Last evaluated: 2025-04-11. Review status: criteria provided, single submitter. Criteria: Ambry Variant Classification Scheme 2023. Collection method: clinical testing. Allele origin: germline.

Labcorp Genetics (formerly Invitae), Labcorp
Classification: Uncertain significance for Primary ciliary dyskinesia. Last evaluated: 2021-08-31. Review status: criteria provided, single submitter. Criteria: Invitae Variant Classification Sherloc (09022015). Collection method: clinical testing. Allele origin: germline.
Comment: This sequence change replaces leucine with proline at codon 208 of the DNAAF5 protein (p.Leu208Pro). The leucine residue is moderately conserved and there is a moderate physicochemical difference between leucine and proline. This variant is present in population databases (rs377581183, ExAC 0.006%). This variant has not been reported in the literature in individuals affected with DNAAF5-related conditions. Algorithms developed to predict the effect of missense changes on protein structure and function are either unavailable or do not agree on the potential impact of this missense change (SIFT: "Deleterious"; PolyPhen-2: "Probably Damaging"; Align-GVGD: "Class C0"). In summary, the available evidence is currently insufficient to determine the role of this variant in disease. Therefore, it has been classified as a Variant of Uncertain Significance.

NM_017802.4(DNAAF5):c.623T>C (p.Leu208Pro)

Gene: DNAAF5 (dynein axonemal assembly factor 5; plus strand). Cytogenetic location: 7p22.3.
Variant type: single nucleotide variant.
Coding change: c.623T>C on transcript NM_017802.4 (MANE Select); coding-DNA position 623, T replaced by C.
Protein change: p.Leu208Pro; replaces leucine 208 with proline.
Molecular consequence: missense variant.
Genome position (GRCh38, 1-based): chr7:729,690, T>C. VCF-style: chr7-729690-T-C. GRCh37 (hg19) VCF-style: chr7-769327-T-C.
Other names: short protein forms L208P.
Identifiers: ClinVar variation 661778 (VCV000661778.9), dbSNP rs377581183, ClinGen allele CA4110383.